The following is an entry in ClinVar:

NM_005027.4(PIK3R2):c.1802C>A (p.Thr601Asn)

Genes: PIK3R2 (phosphoinositide-3-kinase regulatory subunit 2; plus strand), LOC130063980 (ATAC-STARR-seq lymphoblastoid active region 14302; plus strand). Cytogenetic location: 19p13.11.
Variant type: single nucleotide variant.
Coding change: c.1802C>A on transcript NM_005027.4 (MANE Select); coding-DNA position 1802, C replaced by A.
Protein change: p.Thr601Asn; replaces threonine 601 with asparagine.
Molecular consequence: missense variant. On other transcripts: non-coding transcript variant (2).
Genome position (GRCh38, 1-based): chr19:18,168,540, C>A. VCF-style: chr19-18168540-C-A. GRCh37 (hg19) VCF-style: chr19-18279350-C-A.
Other names: short protein forms T601N.
Identifiers: ClinVar variation 1311187 (VCV001311187.2), dbSNP rs2147959366, ClinGen allele CA404814863.

ClinVar aggregate classification (germline): Uncertain significance (1 of 4 stars; one submission).

Submission:

GeneDx
Classification: Uncertain significance. Last evaluated: 2020-01-20. Review status: criteria provided, single submitter. Criteria: GeneDx Variant Classification Process June 2021. Collection method: clinical testing. Allele origin: germline. Affected: yes.
Comment: Not observed in large population cohorts (Lek et al., 2016); In silico analysis, which includes protein predictors and evolutionary conservation, supports that this variant does not alter protein structure/function; Has not been previously published as pathogenic or benign to our knowledge